The following is an entry in ClinVar:

NM_020533.3(MCOLN1):c.1083C>T (p.Ser361=)

Gene: MCOLN1 (mucolipin TRP cation channel 1; plus strand). Cytogenetic location: 19p13.2.
Variant type: single nucleotide variant.
Coding change: c.1083C>T on transcript NM_020533.3 (MANE Select); coding-DNA position 1083, C replaced by T.
Protein change: p.Ser361=; no amino-acid change (serine 361 retained).
Molecular consequence: synonymous variant.
Genome position (GRCh38, 1-based): chr19:7,528,919, C>T. VCF-style: chr19-7528919-C-T. GRCh37 (hg19) VCF-style: chr19-7593805-C-T.
Identifiers: ClinVar variation 733555 (VCV000733555.12), dbSNP rs911853632, ClinGen allele CA304854398.

ClinVar aggregate classification (germline): Likely benign. Review status: criteria provided, single submitter (1 of 4 stars). 2 submissions from 2 submitters: Likely benign (1). 1 of the submissions does not count toward it. Last evaluated 2023-12-21.

Conditions:
MCOLN1-related disorder. Also called: MCOLN1-related condition.
Mucolipidosis type IV (ML4). Also called: ML IV. Identifiers: Orphanet 578, MedGen C0238286, MONDO:0009653, OMIM 252650.

Allele frequency attached by ClinVar (database versions not stated): gnomAD exomes below 0.00001 and 0.00001; gnomAD 0.00001; TOPMed 0.00001.

Submissions (2):

Labcorp Genetics (formerly Invitae), Labcorp
Classification: Likely benign for Mucolipidosis type IV. Last evaluated: 2023-12-21. Review status: criteria provided, single submitter. Criteria: Invitae Variant Classification Sherloc (09022015). Collection method: clinical testing. Allele origin: germline.

PreventionGenetics, part of Exact Sciences
Classification: Likely benign for MCOLN1-related condition. Last evaluated: 2019-03-14. Review status: no assertion criteria provided. Collection method: clinical testing. Allele origin: germline. Not counted in ClinVar's aggregate classification.
Comment: This variant is classified as likely benign based on ACMG/AMP sequence variant interpretation guidelines (Richards et al. 2015 PMID: 25741868, with internal and published modifications).